The following is an entry in ClinVar:

ClinVar aggregate classification (germline): Uncertain significance. Review status: criteria provided, multiple submitters, no conflicts (2 of 4 stars). 2 submissions from 2 submitters: Uncertain significance (2). Last evaluated 2025-11-25.

Conditions:
POLD1-related polyposis and colorectal cancer syndrome (CRCS10). Also called: Colorectal cancer, susceptibility to, 10; Colorectal cancer 10; COLORECTAL CANCER, SUSCEPTIBILITY TO, ON CHROMOSOME 19q. Identifiers: Orphanet 220460, MedGen C2675481, MONDO:0012953, OMIM 612591.
Hereditary cancer-predisposing syndrome. Also called: Tumor predisposition; Hereditary Cancer Syndrome; Hereditary neoplastic syndrome; Neoplastic Syndromes, Hereditary. Identifiers: Orphanet 140162, MedGen C0027672, MeSH D009386, MONDO:0015356.

Allele frequency attached by ClinVar (database versions not stated): gnomAD exomes 0.00001.

Submissions (2):

Ambry Genetics
Classification: Uncertain significance for Hereditary cancer-predisposing syndrome. Last evaluated: 2025-11-25. Review status: criteria provided, single submitter. Criteria: Ambry Variant Classification Scheme 2023. Collection method: clinical testing. Allele origin: germline.
Comment: The c.2594_2595delAG variant, located in coding exon 20 of the POLD1 gene, results from a deletion of two nucleotides at nucleotide positions 2594 to 2595, causing a translational frameshift with a predicted alternate stop codon (p.Q865Rfs*88). This alteration is expected to result in protein truncation or nonsense-mediated mRNA decay. However, loss of function has not been established as a mechanism of disease. Based on the available evidence, the clinical significance of this alteration remains unclear.

Labcorp Genetics (formerly Invitae), Labcorp
Classification: Uncertain significance for POLD1-related polyposis and colorectal cancer syndrome. Last evaluated: 2021-06-08. Review status: criteria provided, single submitter. Criteria: Invitae Variant Classification Sherloc (09022015). Collection method: clinical testing. Allele origin: germline.
Comment: This variant has not been reported in the literature in individuals with POLD1-related conditions. This variant is not present in population databases (ExAC no frequency). This sequence change creates a premature translational stop signal (p.Gln865Argfs*88) in the POLD1 gene. It is expected to result in an absent or disrupted protein product. Missense variants that disrupt the 3'-5' exonuclease (proof-reading) activity of the POLD1 protein are associated with an increased risk for colonic adenomatous polyps and colon cancer (PMID: 23263490, 23447401). However, loss-of-function variants which result in an absent or severely disrupted POLD1 protein, and missense variants outside the exonuclease domain, are unlikely to be associated with polyposis or colon cancer. Without further clinical and genetic evidence, this variant has been classified as a Variant of Uncertain Significance.

Literature cited by the submitters: PubMed 23263490 (cited by Labcorp Genetics (formerly Invitae), Labcorp); PubMed 23447401 (cited by Labcorp Genetics (formerly Invitae), Labcorp).

NM_002691.4(POLD1):c.2594_2595del (p.Gln865fs)

Gene: POLD1 (DNA polymerase delta 1, catalytic subunit; plus strand). Cytogenetic location: 19q13.33.
Variant type: Deletion.
Coding change: c.2594_2595del on transcript NM_002691.4 (MANE Select); coding-DNA positions 2594 to 2595, 2 bases deleted (AG; older notation c.2594_2595delAG).
Protein change: p.Gln865fs; shifts the reading frame from glutamine 865.
Molecular consequence: frameshift variant. On other transcripts: non-coding transcript variant (1).
Genome position (GRCh38, 1-based): chr19:50,415,467-50,415,468, AG deleted. VCF-style (leftmost placement, unchanged base first): chr19-50415466-CAG-C. GRCh37 (hg19) VCF-style: chr19-50918723-CAG-C.
Other names: c.2594_2595del, p.Gln865fs (NM_001256849.1); c.2672_2673del, p.Gln891fs (NM_001308632.1); c.2594_2595delAG (NM_002691.2); short protein forms Q865fs, Q891fs.
Identifiers: ClinVar variation 1345140 (VCV001345140.9), dbSNP rs2122474688, ClinGen allele CA2573156740.